The following is an entry in ClinVar:

NM_000138.5(FBN1):c.474_476del (p.Arg159del)

Gene: FBN1 (fibrillin 1; minus strand). Cytogenetic location: 15q21.1.
Variant type: Deletion.
Coding change: c.474_476del on transcript NM_000138.5 (MANE Select); coding-DNA positions 474 to 476, 3 bases deleted (AAG; older notation c.474_476delAAG).
Protein change: p.Arg159del; deletes arginine 159.
Molecular consequence: inframe deletion.
Genome position (GRCh38, 1-based): chr15:48,596,345-48,596,347, CTT deleted on the plus strand (AAG on the coding strand, the reverse complement: FBN1 is on the minus strand); deleting any 3 consecutive bases within chr15:48,596,345-48,596,348 gives the same sequence; the c. name uses the placement nearest the transcript's 3' end. VCF-style (leftmost placement, unchanged base first): chr15-48596344-CCTT-C. GRCh37 (hg19) VCF-style: chr15-48888541-CCTT-C.
Other names: c.474_476del (NM_000138.4); short protein forms R159del.
Identifiers: ClinVar variation 1497739 (VCV001497739.9), dbSNP rs2140711718, ClinGen allele CA2573150792.

ClinVar aggregate classification (germline): Uncertain significance. Review status: criteria provided, multiple submitters, no conflicts (2 of 4 stars). 4 submissions from 4 submitters: Uncertain significance (4). Last evaluated 2026-02-12.

Conditions:
Marfan syndrome (MFS). Also called: MARFAN SYNDROME, TYPE I; Marfan syndrome type 1; Marfan's syndrome; Marfan syndrome, classic; FBN1-Related Marfan Syndrome. Identifiers: Orphanet 284963, Orphanet 558, MedGen C0024796, MONDO:0007947, OMIM 154700.
Familial thoracic aortic aneurysm and aortic dissection (TAAD). Also called: Thoracic aortic aneurysms and dissections. Identifiers: Orphanet 91387, MedGen C4707243, MONDO:0019625.

Submissions (4):

GeneDx
Classification: Uncertain significance. Last evaluated: 2026-02-12. Review status: criteria provided, single submitter. Criteria: GeneDx Variant Classification Process June 2021. Collection method: clinical testing. Allele origin: germline.
Comment: Has not been previously published as pathogenic or benign to our knowledge; Not observed at significant frequency in large population cohorts (gnomAD); In-frame deletion of 1 amino acid in a non-repeat region; In silico analysis supports a deleterious effect on protein structure/function

ARUP Laboratories, Molecular Genetics and Genomics, ARUP Laboratories
Classification: Uncertain significance. Last evaluated: 2025-06-11. Review status: criteria provided, single submitter. Criteria: ARUP Molecular Germline Variant Investigation Process 2024. Collection method: clinical testing. Allele origin: germline.
Comment: The FBN1 c.474_476del; p.Arg159del variant (rs2140711718), to our knowledge, is not reported in the medical literature but is reported in ClinVar (Variation ID: 1497739). This variant is absent from the Genome Aggregation Database (v2.1.1), indicating it is not a common polymorphism. This variant deletes a single arginine residue leaving the rest of the protein in-frame. Due to limited information, the clinical significance of this variant is uncertain at this time.

All of Us Research Program, National Institutes of Health
Classification: Uncertain significance for Marfan syndrome. Last evaluated: 2023-05-04. Review status: criteria provided, single submitter. Criteria: ACMG Guidelines, 2015. Collection method: clinical testing. Allele origin: germline. Inheritance: Autosomal dominant inheritance. Observed: 1 variant allele, 1 heterozygote.
Comment: This study involves interpretation of variants in research participants for the purpose of population health screening. Participant phenotype was not available at the time of variant classification. Additional details can be found in publication PMID: 35346344, PMCID: PMC8962531

Labcorp Genetics (formerly Invitae), Labcorp
Classification: Uncertain significance for Marfan syndrome; Familial thoracic aortic aneurysm and aortic dissection. Last evaluated: 2021-08-27. Review status: criteria provided, single submitter. Criteria: Invitae Variant Classification Sherloc (09022015). Collection method: clinical testing. Allele origin: germline.
Comment: Algorithms developed to predict the effect of sequence changes on RNA splicing suggest that this variant may create or strengthen a splice site. This variant has not been reported in the literature in individuals affected with FBN1-related conditions. This variant is not present in population databases (ExAC no frequency). This variant, c.474_476del, results in the deletion of 1 amino acid(s) of the FBN1 protein (p.Arg159del), but otherwise preserves the integrity of the reading frame. In summary, the available evidence is currently insufficient to determine the role of this variant in disease. Therefore, it has been classified as a Variant of Uncertain Significance.